The following is an entry in ClinVar:

ClinVar aggregate classification (germline): Pathogenic (1 of 4 stars; one submission).

Submission:

Labcorp Genetics (formerly Invitae), Labcorp
Classification: Pathogenic. Last evaluated: 2022-06-10. Review status: criteria provided, single submitter. Criteria: Invitae Variant Classification Sherloc (09022015). Collection method: clinical testing. Allele origin: germline.
Comment: This variant is a gross deletion of the genomic region encompassing exon(s) 6 of the GPR143 gene. This deletion is out-of-frame, and is expected to create a premature termination codon and result in an absent or disrupted protein product. Loss-of-function variants in GPR143 are known to be pathogenic (PMID: 15965158, 18978956, 19390656, 21541274, 26160353, 28211458). A similar copy number variant has been observed in individual(s) with ocular albinism (PMID: 12515581). For these reasons, this variant has been classified as Pathogenic.

Literature cited by the submitters: PubMed 15965158; PubMed 18978956; PubMed 19390656; PubMed 21541274; PubMed 26160353; PubMed 28211458; PubMed 12515581.

NC_000023.10:g.(?_9711585)_(9711844_?)del

Gene: GPR143 (G protein-coupled receptor 143; minus strand). Cytogenetic location: Xp22.2.
Variant type: Deletion.
Identifiers: ClinVar variation 1459570 (VCV001459570.5).